The following is an entry in ClinVar:

NM_030813.6(CLPB):c.653G>C (p.Gly218Ala)

Gene: CLPB (ClpB family mitochondrial disaggregase; minus strand). Cytogenetic location: 11q13.4.
Variant type: single nucleotide variant.
Coding change: c.653G>C on transcript NM_030813.6 (MANE Plus Clinical); coding-DNA position 653, G replaced by C.
Protein change: p.Gly218Ala; replaces glycine 218 with alanine.
Molecular consequence: missense variant. On other transcripts: intron variant (2).
Genome position (GRCh38, 1-based): chr11:72,373,008, C>G on the plus strand (G>C on the coding strand, the complement: CLPB is on the minus strand). VCF-style: chr11-72373008-C-G. GRCh37 (hg19) VCF-style: chr11-72084052-C-G.
Other names: c.653G>C (NM_030813.3); c.518G>C, p.Gly173Ala (NM_001258394.3); c.559+7273G>C (NM_001258393.3); c.646+7273G>C (NM_001258392.3); short protein forms G218A, G173A.
Identifiers: ClinVar variation 852817 (VCV000852817.13), dbSNP rs377766896, ClinGen allele CA6171484.

ClinVar aggregate classification (germline): Uncertain significance. Review status: criteria provided, multiple submitters, no conflicts (2 of 4 stars). 5 submissions from 5 submitters: Uncertain significance (5). Last evaluated 2026-02-01.

Conditions:
Inborn genetic diseases. Identifiers: MedGen C0950123, MeSH D030342.
Neutropenia, severe congenital, 9, autosomal dominant. Identifiers: MedGen C5676954, MONDO:0030726, OMIM 619813.
3-methylglutaconic aciduria, type VIIB (MGCA7B). Also called: 3-methylglutaconic aciduria with cataracts, neurologic involvement and neutropenia; 3-methylglutaconic aciduria, type VII, with cataracts, neurologic involvement and neutropenia; CLPB Deficiency. Identifiers: Orphanet 445038, MedGen C5676893, MONDO:0014561, OMIM 616271.

Allele frequency attached by ClinVar (database versions not stated): gnomAD 0.00009; ESP Exome Variant Server 0.00008; TOPMed 0.00014.
gnomAD v4.1: 255 of 1,613,840 alleles (0.016%); highest among the groups gnomAD compares: Non-Finnish European, 0.019%; no homozygotes.

Submissions (5):

Labcorp Genetics (formerly Invitae), Labcorp
Classification: Uncertain significance for 3-methylglutaconic aciduria, type VIIB. Last evaluated: 2026-02-01. Review status: criteria provided, single submitter. Criteria: Invitae Variant Classification Sherloc (09022015). Collection method: clinical testing. Allele origin: germline.
Comment: This sequence change replaces glycine, which is neutral and non-polar, with alanine, which is neutral and non-polar, at codon 218 of the CLPB protein (p.Gly218Ala). This variant is present in population databases (rs377766896, gnomAD 0.02%). This variant has not been reported in the literature in individuals affected with CLPB-related conditions. ClinVar contains an entry for this variant (Variation ID: 852817). An algorithm developed to predict the effect of missense changes on protein structure and function (PolyPhen-2) suggests that this variant is likely to be tolerated. In summary, the available evidence is currently insufficient to determine the role of this variant in disease. Therefore, it has been classified as a Variant of Uncertain Significance.

GeneDx
Classification: Uncertain significance. Last evaluated: 2025-06-24. Review status: criteria provided, single submitter. Criteria: GeneDx Variant Classification Process June 2021. Collection method: clinical testing. Allele origin: germline. Affected: yes.
Comment: In silico analysis suggests that this missense variant does not alter protein structure/function; Has not been previously published as pathogenic or benign to our knowledge

St. Jude Molecular Pathology, St. Jude Children's Research Hospital
Classification: Uncertain significance for Neutropenia, severe congenital, 9, autosomal dominant. Last evaluated: 2025-06-17. Review status: criteria provided, single submitter. Criteria: St. Jude Assertion Criteria 2020. Collection method: clinical testing. Allele origin: germline.
Comment: The CLPB c.653G>C (p.Gly218Ala) missense change has a maximum subpopulation frequency of 0.021% in gnomAD v2.1.1. The in silico tool REVEL predicts a benign effect on protein function, but to our knowledge this prediction has not been confirmed by functional studies. To our knowledge, this variant has not been reported in the literature in individuals with CLPB-associated conditions. In summary, the evidence currently available is insufficient to determine the clinical significance of this variant. It has therefore been classified as of uncertain significance.

Ambry Genetics
Classification: Uncertain significance for Inborn genetic diseases. Last evaluated: 2024-08-28. Review status: criteria provided, single submitter. Criteria: Ambry Variant Classification Scheme 2023. Collection method: clinical testing. Allele origin: germline.

Blueprint Genetics
Classification: Uncertain significance. Last evaluated: 2024-06-18. Review status: criteria provided, single submitter. Criteria: ACMG Guidelines, 2015. Collection method: clinical testing. Allele origin: germline.